The following is an entry in ClinVar:

NM_001567.4(INPPL1):c.2659G>A (p.Glu887Lys)

Gene: INPPL1 (inositol polyphosphate phosphatase like 1; plus strand). Cytogenetic location: 11q13.4.
Variant type: single nucleotide variant.
Coding change: c.2659G>A on transcript NM_001567.4 (MANE Select); coding-DNA position 2659, G replaced by A.
Protein change: p.Glu887Lys; replaces glutamic acid 887 with lysine.
Molecular consequence: missense variant.
Genome position (GRCh38, 1-based): chr11:72,235,451, G>A. VCF-style: chr11-72235451-G-A. GRCh37 (hg19) VCF-style: chr11-71946495-G-A.
Other names: c.2725G>A, p.Glu909Lys (NM_001440434.1); c.2659G>A, p.Glu887Lys (NM_001440435.1, NM_001440436.1, NM_001440438.1); c.2518G>A, p.Glu840Lys (NM_001440437.1); short protein forms E840K, E887K, E909K.
Identifiers: ClinVar variation 4850498 (VCV004850498.1).

ClinVar aggregate classification (germline): Likely pathogenic (1 of 4 stars; one submission).

Conditions:
Opsismodysplasia (OPSMD). Also called: INPPL1-Related Opsismodysplasia. Identifiers: Orphanet 2746, MedGen C0432219, MONDO:0009785, OMIM 258480.

gnomAD v4.1: 5 of 1,611,506 alleles (0.00031%); highest among the groups gnomAD compares: Non-Finnish European, 0.00042%; no homozygotes.

Submission:

Centre for Medical Genetics,  Mumbai
Classification: Likely pathogenic for Opsismodysplasia. Last evaluated: 2026-04-01. Review status: criteria provided, single submitter. Criteria: ACMG Guidelines, 2015. Collection method: provider interpretation. Allele origin: germline. Inheritance: Autosomal recessive inheritance. Affected: yes. Observed: 1 variant allele, 1 compound heterozygote.
Comment: The variant satisfies the following ACMG criteria PM2: low frequency in population databases (frequency in gnomAD is 0.000008115) PM3 For recessive disorders, detected in trans with a pathogenic variant- The affected patient is compound heterozygous for this variant along with another pathogenic variant chr11:71942661T>C or c.1615+2T>C in INPPL1 gene PP3: For a missense or a splicing region variant, computational prediction tools unanimously support a deleterious effect on the gene, Aggregated score: 0.8 PP4 Patient’s phenotype or family history is highly specific for a disease with a single genetic etiology- the patient phenotype matches the disorder opsismodysplasia clinically

Literature cited by the submitters: PubMed 23273567.